The following is an entry in ClinVar:

ClinVar aggregate classification (germline): Uncertain significance (1 of 4 stars; one submission).

Conditions:
Early-infantile DEE. Also called: Early infantile epileptic encephalopathy with suppression bursts; Early infantile epileptic encephalopathy; Ohtahara syndrome. Identifiers: Orphanet 1934, MedGen C0393706, MONDO:0800491.

Submission:

Labcorp Genetics (formerly Invitae), Labcorp
Classification: Uncertain significance for Early-infantile DEE. Last evaluated: 2024-03-04. Review status: criteria provided, single submitter. Criteria: Invitae Variant Classification Sherloc (09022015). Collection method: clinical testing. Allele origin: germline.
Comment: This sequence change replaces serine, which is neutral and polar, with glycine, which is neutral and non-polar, at codon 2422 of the SPTAN1 protein (p.Ser2422Gly). This variant is not present in population databases (gnomAD no frequency). This variant has not been reported in the literature in individuals affected with SPTAN1-related conditions. Advanced modeling of protein sequence and biophysical properties (such as structural, functional, and spatial information, amino acid conservation, physicochemical variation, residue mobility, and thermodynamic stability) has been performed at Invitae for this missense variant, however the output from this modeling did not meet the statistical confidence thresholds required to predict the impact of this variant on SPTAN1 protein function. In summary, the available evidence is currently insufficient to determine the role of this variant in disease. Therefore, it has been classified as a Variant of Uncertain Significance.

NM_001130438.3(SPTAN1):c.7264A>G (p.Ser2422Gly)

Gene: SPTAN1 (spectrin alpha, non-erythrocytic 1; plus strand). Cytogenetic location: 9q34.11.
Variant type: single nucleotide variant.
Coding change: c.7264A>G on transcript NM_001130438.3 (MANE Select); coding-DNA position 7264, A replaced by G.
Protein change: p.Ser2422Gly; replaces serine 2422 with glycine.
Molecular consequence: missense variant.
Genome position (GRCh38, 1-based): chr9:128,632,911, A>G. VCF-style: chr9-128632911-A-G. GRCh37 (hg19) VCF-style: chr9-131395190-A-G.
Other names: c.7189A>G, p.Ser2397Gly (NM_001195532.2); c.7327A>G, p.Ser2443Gly (NM_001363759.2); c.7204A>G, p.Ser2402Gly (NM_001363765.2, NM_001375314.2); c.7351A>G, p.Ser2451Gly (NM_001375310.1); c.7264A>G, p.Ser2422Gly (NM_001375311.2); c.7300A>G, p.Ser2434Gly (NM_001375312.2); c.7246A>G, p.Ser2416Gly (NM_001375313.1); c.7363A>G, p.Ser2455Gly (NM_001375318.1); and 1 more; short protein forms S2397G, S2402G, S2455G, S2416G, S2417G, S2422G, S2434G, S2443G.
Identifiers: ClinVar variation 2708863 (VCV002708863.3), dbSNP rs2542398077, ClinGen allele CA375102628.